The following is an entry in ClinVar:

ClinVar aggregate classification (germline): Uncertain significance. Review status: criteria provided, multiple submitters, no conflicts (2 of 4 stars). 3 submissions from 3 submitters: Uncertain significance (3). Last evaluated 2025-02-26.

Conditions:
Cystic fibrosis (CF). Also called: MUCOVISCIDOSIS. Identifiers: Orphanet 586, MedGen C0010674, MONDO:0009061, OMIM 219700. Disease mechanism: loss of function.

Allele frequency attached by ClinVar (database versions not stated): gnomAD exomes below 0.00001; ExAC 0.00001; gnomAD 0.00001; TOPMed 0.00001.

Submissions (3):

Ambry Genetics
Classification: Uncertain significance for Cystic fibrosis. Last evaluated: 2025-02-26. Review status: criteria provided, single submitter. Criteria: Ambry Variant Classification Scheme 2023. Collection method: clinical testing. Allele origin: germline.
Comment: The p.S557T variant (also known as c.1669T>A), located in coding exon 12 of the CFTR gene, results from a T to A substitution at nucleotide position 1669. The serine at codon 557 is replaced by threonine, an amino acid with similar properties. This amino acid position is well conserved in available vertebrate species. In addition, the in silico prediction for this alteration is inconclusive. Based on the available evidence, the clinical significance of this variant remains unclear.

Labcorp Genetics (formerly Invitae), Labcorp
Classification: Uncertain significance for Cystic fibrosis. Last evaluated: 2024-10-03. Review status: criteria provided, single submitter. Criteria: Invitae Variant Classification Sherloc (09022015). Collection method: clinical testing. Allele origin: germline.
Comment: This sequence change replaces serine, which is neutral and polar, with threonine, which is neutral and polar, at codon 557 of the CFTR protein (p.Ser557Thr). This variant is present in population databases (rs746642567, gnomAD 0.02%). This missense change has been observed in individual(s) with CFTR-related conditions (PMID: 30811104, 35913788). ClinVar contains an entry for this variant (Variation ID: 1777639). Invitae Evidence Modeling of protein sequence and biophysical properties (such as structural, functional, and spatial information, amino acid conservation, physicochemical variation, residue mobility, and thermodynamic stability) indicates that this missense variant is expected to disrupt CFTR protein function with a positive predictive value of 80%. In summary, the available evidence is currently insufficient to determine the role of this variant in disease. Therefore, it has been classified as a Variant of Uncertain Significance.

Women's Health and Genetics/Laboratory Corporation of America, LabCorp
Classification: Uncertain significance. Last evaluated: 2023-08-25. Review status: criteria provided, single submitter. Criteria: LabCorp Variant Classification Summary - May 2015. Collection method: clinical testing. Allele origin: germline.
Comment: Variant summary: CFTR c.1669T>A (p.Ser557Thr) results in a conservative amino acid change located in the ABC transporter-like, ATP-binding domain (IPR003439) of the encoded protein sequence. Two of four in-silico tools predict a benign effect of the variant on protein function. The variant allele was found at a frequency of 1.2e-05 in 250730 control chromosomes. The available data on variant occurrences in the general population are insufficient to allow any conclusion about variant significance. c.1669T>A has been reported in the literature in the heterozygous state in an individual affected with CBAVD (Yuan_2019). This report does not provide unequivocal conclusions about association of the variant with Cystic Fibrosis. To our knowledge, no experimental evidence demonstrating an impact on protein function has been reported. The following publication has been ascertained in the context of this evaluation (PMID: 30811104). One submitter has cited a clinical-significance assessment for this variant to ClinVar after 2014 and has classified the variant as uncertain significance. Based on the evidence outlined above, the variant was classified as uncertain significance.

Literature cited by the submitters: PubMed 30811104 (cited by 3 submitters); PubMed 35913788 (cited by Labcorp Genetics (formerly Invitae), Labcorp).

NM_000492.4(CFTR):c.1669T>A (p.Ser557Thr)

Genes: CFTR (CF transmembrane conductance regulator; plus strand), LOC111674475 (CFTR intron 11 enhancer; plus strand). Cytogenetic location: 7q31.2.
Variant type: single nucleotide variant.
Coding change: c.1669T>A on transcript NM_000492.4 (MANE Select); coding-DNA position 1669, T replaced by A.
Protein change: p.Ser557Thr; replaces serine 557 with threonine.
Molecular consequence: missense variant.
Genome position (GRCh38, 1-based): chr7:117,587,823, T>A. VCF-style: chr7-117587823-T-A. GRCh37 (hg19) VCF-style: chr7-117227877-T-A.
Other names: short protein forms S557T.
Identifiers: ClinVar variation 1777639 (VCV001777639.5), dbSNP rs746642567, ClinGen allele CA4451052.
Genomic context (GRCh38, chr7:117,587,823, plus strand): 5'-GACAATATAGTTCTTGGAGAAGGTGGAATCACACTGAGTGGAGGTCAACGAGCAAGAATT[T>A]CTTTAGCAAGGTGAATAACTAATTATTGGTCTAGCAAGCATTTGCTGTAAATGTCATTCA-3'
Protein context (NP_000483.3, residues 547-567): TLSGGQRARI[Ser557Thr]LARAVYKDAD